The following is an entry in ClinVar:

NM_001330260.2(SCN8A):c.5786G>C (p.Gly1929Ala)

Gene: SCN8A (sodium voltage-gated channel alpha subunit 8; plus strand). Cytogenetic location: 12q13.13.
Variant type: single nucleotide variant.
Coding change: c.5786G>C on transcript NM_001330260.2 (MANE Select); coding-DNA position 5786, G replaced by C.
Protein change: p.Gly1929Ala; replaces glycine 1929 with alanine.
Molecular consequence: missense variant.
Genome position (GRCh38, 1-based): chr12:51,807,272, G>C. VCF-style: chr12-51807272-G-C. GRCh37 (hg19) VCF-style: chr12-52201056-G-C.
Other names: c.5663G>C, p.Gly1888Ala (NM_001177984.3, NM_001369788.1); c.5786G>C, p.Gly1929Ala (NM_014191.4); short protein forms G1888A, G1929A.
Identifiers: ClinVar variation 933286 (VCV000933286.10), dbSNP rs748909364, ClinGen allele CA6571953.
Genomic context (GRCh38, chr12:51,807,272, plus strand): 5'-ATTTGGCAAGGCGGGGCTTCATCTGCAAAAAGACAACTTCTAATAAGCTGGAGAATGGAG[G>C]CACACACCGGGAGAAAAAAGAGAGCACCCCATCTACAGCCTCCCTCCCGTCCTATGACAG-3'
Protein context (NP_001317189.1, residues 1919-1939): KTTSNKLENG[Gly1929Ala]THREKKESTP

ClinVar aggregate classification (germline): Uncertain significance (1 of 4 stars; one submission).

Conditions:
Early-infantile DEE. Also called: Early infantile epileptic encephalopathy with suppression bursts; Early infantile epileptic encephalopathy; Ohtahara syndrome. Identifiers: Orphanet 1934, MedGen C0393706, MONDO:0800491.

Allele frequency attached by ClinVar (database versions not stated): gnomAD exomes below 0.00001 and 0.00001; ExAC 0.00001; gnomAD 0.00001; TOPMed 0.00001.
gnomAD v4.1: 7 of 1,613,824 alleles (0.00043%); highest among the groups gnomAD compares: Non-Finnish European, 0.00051%; no homozygotes.

Submission:

Labcorp Genetics (formerly Invitae), Labcorp
Classification: Uncertain significance for Early-infantile DEE. Last evaluated: 2024-10-30. Review status: criteria provided, single submitter. Criteria: Invitae Variant Classification Sherloc (09022015). Collection method: clinical testing. Allele origin: germline.
Comment: This sequence change replaces glycine, which is neutral and non-polar, with alanine, which is neutral and non-polar, at codon 1929 of the SCN8A protein (p.Gly1929Ala). This variant is present in population databases (rs748909364, gnomAD 0.002%). This variant has not been reported in the literature in individuals affected with SCN8A-related conditions. ClinVar contains an entry for this variant (Variation ID: 933286). Invitae Evidence Modeling of protein sequence and biophysical properties (such as structural, functional, and spatial information, amino acid conservation, physicochemical variation, residue mobility, and thermodynamic stability) indicates that this missense variant is not expected to disrupt SCN8A protein function with a negative predictive value of 95%. In summary, the available evidence is currently insufficient to determine the role of this variant in disease. Therefore, it has been classified as a Variant of Uncertain Significance.